The following is an entry in ClinVar:

ClinVar aggregate classification (germline): Likely pathogenic (1 of 4 stars; one submission).

Conditions:
Dilated cardiomyopathy 1G (CMD1G). Identifiers: Orphanet 154, MedGen C1858763, MONDO:0011400, OMIM 604145.
Autosomal recessive limb-girdle muscular dystrophy type 2J (LGMDR10). Also called: Limb-girdle muscular dystrophy, type 2J; MUSCULAR DYSTROPHY, LIMB-GIRDLE, AUTOSOMAL RECESSIVE 10. Identifiers: Orphanet 140922, MedGen C1837342, MONDO:0012127, OMIM 608807.

Submission:

Labcorp Genetics (formerly Invitae), Labcorp
Classification: Likely pathogenic for Dilated cardiomyopathy 1G; Autosomal recessive limb-girdle muscular dystrophy type 2J. Last evaluated: 2024-05-14. Review status: criteria provided, single submitter. Criteria: Invitae Variant Classification Sherloc (09022015). Collection method: clinical testing. Allele origin: germline.
Comment: This sequence change creates a premature translational stop signal (p.Ser29989Thrfs*6) in the TTN gene. While this is not anticipated to result in nonsense mediated decay, it is expected to create a truncated TTN protein. This variant is not present in population databases (gnomAD no frequency). This variant has not been reported in the literature in individuals affected with TTN-related conditions. This variant is located in the A band of TTN (PMID: 25589632). Truncating variants in this region are significantly overrepresented in patients affected with dilated cardiomyopathy (PMID: 25589632). Truncating variants in this region have also been reported in individuals affected with autosomal recessive centronuclear myopathy (PMID: 23975875). In summary, the currently available evidence indicates that the variant is pathogenic, but additional data are needed to prove that conclusively. Therefore, this variant has been classified as Likely Pathogenic.

Literature cited by the submitters: PubMed 25589632; PubMed 23975875.

NM_001267550.2(TTN):c.89966del (p.Ser29989fs)

Genes: TTN (titin; minus strand), TTN-AS1 (TTN antisense RNA 1; plus strand). Cytogenetic location: 2q31.2.
Variant type: Deletion.
Coding change: c.89966del on transcript NM_001267550.2 (MANE Select); coding-DNA position 89966, one base deleted (G; older notation c.89966delG).
Protein change: p.Ser29989fs; shifts the reading frame from serine 29989.
Molecular consequence: frameshift variant.
Genome position (GRCh38, 1-based): chr2:178,552,934, C deleted on the plus strand (G on the coding strand, the reverse complement: TTN is on the minus strand). VCF-style (leftmost placement, unchanged base first): chr2-178552933-GC-G. GRCh37 (hg19) VCF-style: chr2-179417660-GC-G.
Other names: c.85043del, p.Ser28348fs (NM_001256850.1); c.62771del, p.Ser20924fs (NM_003319.4); c.82262del, p.Ser27421fs (NM_133378.4); c.63146del, p.Ser21049fs (NM_133432.3); c.63347del, p.Ser21116fs (NM_133437.4); short protein forms S20924fs, S21049fs, S21116fs, S27421fs, S28348fs, S29989fs.
Identifiers: ClinVar variation 3756343 (VCV003756343.2).
Genomic context (GRCh38, chr2:178,552,933, plus strand): 5'-TGCAAGAACTCTGAAGAAGAATGGAGTCTTCTCCGACAAATCTATTAGCTTGAAGGATGT[GC>G]TAGAACATTTGTGTGACACGACAGACCATGTTCTCTTGGTGGCATCTCTCTTTTCAATGA-3'